The following is an entry in ClinVar:

NM_001035.3(RYR2):c.10231-1_10231insCCTTTCACCAGCTAACCAGGCGTTTGAATATTCATTCTACTCAG

Gene: RYR2 (ryanodine receptor 2; plus strand). Cytogenetic location: 1q43.
Variant type: Insertion.
Coding change: c.10231-1_10231insCCTTTCACCAGCTAACCAGGCGTTTGAATATTCATTCTACTCAG on transcript NM_001035.3 (MANE Select); the canonical splice acceptor site of the intron before coding-DNA position 10231 through coding-DNA position 10231, CCTTTCACCAGCTAACCAGGCGTTTGAATATTCATTCTACTCAG inserted.
Molecular consequence: splice acceptor variant.
Genome position: GRCh38: chr1:237,711,744-237,711,745. GRCh37 (hg19): chr1:237,875,044-237,875,045.
Identifiers: ClinVar variation 3069433 (VCV003069433.1), dbSNP rs2547427133, ClinGen allele CA2825000936.

ClinVar aggregate classification (germline): Uncertain significance (1 of 4 stars; one submission).

Conditions:
Catecholaminergic polymorphic ventricular tachycardia (CVPT). Also called: Catecholamine-induced polymorphic ventricular tachycardia. Identifiers: Orphanet 3286, MedGen C5574922, MONDO:0017990.

Submission:

All of Us Research Program, National Institutes of Health
Classification: Uncertain significance for Catecholaminergic polymorphic ventricular tachycardia. Last evaluated: 2023-03-04. Review status: criteria provided, single submitter. Criteria: ACMG Guidelines, 2015. Collection method: clinical testing. Allele origin: germline. Inheritance: Autosomal dominant inheritance. Observed: 1 variant allele, 1 heterozygote.
Comment: This study involves interpretation of variants in research participants for the purpose of population health screening. Participant phenotype was not available at the time of variant classification. Additional details can be found in publication PMID: 35346344, PMCID: PMC8962531